The following is an entry in ClinVar:

ClinVar aggregate classification (germline): Likely pathogenic (0 of 4 stars; one submission).

Conditions:
Intellectual developmental disorder, autosomal dominant 42. Also called: Global developmental delay-neuro-ophthalmological abnormalities-seizures-intellectual disability syndrome; GNB1 Encephalopathy; Intellectual disability, autosomal dominant 42. Identifiers: Orphanet 488613, MedGen C4310774, MONDO:0014855, OMIM 616973.

Submission:

HUSP Clinical Genetics Laboratory, Hospital Universitario San Pedro De Logroño (HUSP)
Classification: Likely pathogenic for Intellectual developmental disorder, autosomal dominant 42. Last evaluated: 2020-10-16. Review status: no assertion criteria provided. Collection method: clinical testing. Allele origin: de novo. Inheritance: Autosomal dominant inheritance. Affected: yes. Observed: 1 variant allele, 1 heterozygote.
Comment: The c.496T>C variant in GNB1 gene (NM_002074.5) consists of an amino acid change (p.Cys166Arg). The altered nucleotide is located 2 bases away from the site of splicing, so in-silico tools predict that it is very likely to affect conventional splicing. This alteration has not been reported previously in the literature and it is not detected in general population. Pathological variants in the GNB1 gene are associated with the phenotype of Mental retardation, autosomal dominant 42 (OMIM: 616973) with autosomal dominant inheritance, characterized by a developmental delay and intellectual disability. Among the most common phenotypic traits are: epilepsy, general growth deficit (without microcephaly), hypotonia. Most of variants reported in the GNB1 gene are considered pathological. Therefore, we consider that clinical significance of c.496T>C variant is likely pathogenic.

NM_002074.5(GNB1):c.496T>C (p.Cys166Arg)

Gene: GNB1 (G protein subunit beta 1; minus strand). Cytogenetic location: 1p36.33.
Variant type: single nucleotide variant.
Coding change: c.496T>C on transcript NM_002074.5 (MANE Select); coding-DNA position 496, T replaced by C.
Protein change: p.Cys166Arg; replaces cysteine 166 with arginine.
Molecular consequence: missense variant.
Genome position (GRCh38, 1-based): chr1:1,793,246, A>G on the plus strand (T>C on the coding strand, the complement: GNB1 is on the minus strand). VCF-style: chr1-1793246-A-G. GRCh37 (hg19) VCF-style: chr1-1724685-A-G.
Other names: c.196T>C, p.Cys66Arg (NM_001282538.2); c.496T>C, p.Cys166Arg (NM_001282539.2); short protein forms C166R, C66R.
Identifiers: ClinVar variation 1048759 (VCV001048759.2), dbSNP rs2100546091, ClinGen allele CA337908034.
Genomic context (GRCh38, chr1:1,793,246, plus strand): 5'-GGAATGTGCCAGGGGCTGTGGGTTCTCAAGGCACTGCCTGCCCCGGGTCAGGTACTTACC[A>G]CGTGGTGTCTCCAGAGCTGGTGACGATCTGATTGTCATCCAGGAATCGGCAGCAGGACAG-3'
Protein context (NP_002065.1, residues 156-176): QIVTSSGDTT[Cys166Arg]ALWDIETGQQ